The following is an entry in ClinVar:

ClinVar aggregate classification (germline): Uncertain significance (1 of 4 stars; one submission).

Conditions:
Camptomelic dysplasia (CMPD). Also called: CMPD1/SRA1; Campomelic Dysplasia. Identifiers: Orphanet 140, MedGen C1861922, MONDO:0007251, OMIM 114290.

Submission:

Labcorp Genetics (formerly Invitae), Labcorp
Classification: Uncertain significance for Camptomelic dysplasia. Last evaluated: 2025-01-27. Review status: criteria provided, single submitter. Criteria: Invitae Variant Classification Sherloc (09022015). Collection method: clinical testing. Allele origin: germline.
Comment: This sequence change replaces arginine, which is basic and polar, with cysteine, which is neutral and slightly polar, at codon 162 of the SOX9 protein (p.Arg162Cys). This variant is not present in population databases (gnomAD no frequency). This variant has not been reported in the literature in individuals affected with SOX9-related conditions. ClinVar contains an entry for this variant (Variation ID: 2101578). Invitae Evidence Modeling of protein sequence and biophysical properties (such as structural, functional, and spatial information, amino acid conservation, physicochemical variation, residue mobility, and thermodynamic stability) indicates that this missense variant is expected to disrupt SOX9 protein function with a positive predictive value of 95%. In summary, the available evidence is currently insufficient to determine the role of this variant in disease. Therefore, it has been classified as a Variant of Uncertain Significance.

NM_000346.4(SOX9):c.484C>T (p.Arg162Cys)

Gene: SOX9 (SRY-box transcription factor 9; plus strand). Cytogenetic location: 17q24.3.
Variant type: single nucleotide variant.
Coding change: c.484C>T on transcript NM_000346.4 (MANE Select); coding-DNA position 484, C replaced by T.
Protein change: p.Arg162Cys; replaces arginine 162 with cysteine.
Molecular consequence: missense variant.
Genome position (GRCh38, 1-based): chr17:72,122,771, C>T. VCF-style: chr17-72122771-C-T. GRCh37 (hg19) VCF-style: chr17-70118912-C-T.
Other names: short protein forms R162C.
Identifiers: ClinVar variation 2101578 (VCV002101578.4), dbSNP rs2143245535, ClinGen allele CA400866394.